The following is an entry in ClinVar:

NM_000057.4(BLM):c.2899C>A (p.Pro967Thr)

Gene: BLM (BLM RecQ like helicase; plus strand). Cytogenetic location: 15q26.1.
Variant type: single nucleotide variant.
Coding change: c.2899C>A on transcript NM_000057.4 (MANE Select); coding-DNA position 2899, C replaced by A.
Protein change: p.Pro967Thr; replaces proline 967 with threonine.
Molecular consequence: missense variant.
Genome position (GRCh38, 1-based): chr15:90,790,724, C>A. VCF-style: chr15-90790724-C-A. GRCh37 (hg19) VCF-style: chr15-91333954-C-A.
Other names: c.2899C>A, p.Pro967Thr (NM_001287246.2, NM_001287247.2); c.1774C>A, p.Pro592Thr (NM_001287248.2); short protein forms P592T, P967T.
Identifiers: ClinVar variation 3480893 (VCV003480893.1).

ClinVar aggregate classification (germline): Uncertain significance (1 of 4 stars; one submission).

Conditions:
Hereditary cancer-predisposing syndrome. Also called: Tumor predisposition; Neoplastic Syndromes, Hereditary; Hereditary Cancer Syndrome; Hereditary neoplastic syndrome. Identifiers: Orphanet 140162, MedGen C0027672, MeSH D009386, MONDO:0015356.

Submission:

Ambry Genetics
Classification: Uncertain significance for Hereditary cancer-predisposing syndrome. Last evaluated: 2024-11-02. Review status: criteria provided, single submitter. Criteria: Ambry Variant Classification Scheme 2023. Collection method: clinical testing. Allele origin: germline.
Comment: The p.P967T variant (also known as c.2899C>A), located in coding exon 14 of the BLM gene, results from a C to A substitution at nucleotide position 2899. The proline at codon 967 is replaced by threonine, an amino acid with highly similar properties. This amino acid position is conserved. In addition, this alteration is predicted to be deleterious by in silico analysis. Based on the available evidence, the clinical significance of this variant remains unclear.